The following is an entry in ClinVar:

ClinVar aggregate classification (germline): conflicting data from submitters (0 of 4 stars; one submission).

Submission:

ISCA site 1
Classification: conflicting data from submitters. Last evaluated: 2011-10-10. Review status: no assertion criteria provided. Collection method: clinical testing. Allele origin: unknown, maternal, paternal. Affected: yes. Observed: 3 variant alleles. Clinical features observed: Developmental delay AND/OR other significant developmental or morphological phenotypes, Attention deficit hyperactivity disorder (HP:0007018), Protruding ear (HP:0000411), Autism (HP:0000717).
Comment: Uncertain significance(1), Likely benign (2)

Copy number variation identified through the course of routine clinical cytogenomic testing in postnatal populations, with clinical assertions as classified by the original submitter. For data from the original published study, Kaminsky, et al. 2011 (PubMed 21844811), please see nstd101.

GRCh38/hg38 4q13.1(chr4:61356169-62527994)x3

Genes: ADGRL3 (adhesion G protein-coupled receptor L3; plus strand), ADGRL3-AS1 (ADGRL3 antisense RNA 1; minus strand), LOC121053182 (Sharpr-MPRA regulatory region 11493; plus strand), LOC126807065 (CDK7 strongly-dependent group 2 enhancer GRCh37_chr4:63226906-63228105; plus strand), LOC126807066 (CDK7 strongly-dependent group 2 enhancer GRCh37_chr4:63303986-63305185; plus strand) and 4 more. Cytogenetic location: 4q13.1.
Variant type: copy number gain.
Change: copy number 3 (three copies instead of two) of chr4:61,356,169-62,527,994 (1.17 Mb, GRCh38 coordinates, 1-based), cytogenetic band 4q13.1.
Identifiers: ClinVar variation 154466 (VCV000154466.3).